The following is an entry in ClinVar:

NM_001243133.2(NLRP3):c.2150+12C>T

Gene: NLRP3 (NLR family pyrin domain containing 3; plus strand). Cytogenetic location: 1q44.
Variant type: single nucleotide variant.
Coding change: c.2150+12C>T on transcript NM_001243133.2 (MANE Select); 12 bases into the intron after coding-DNA position 2150, C replaced by T.
Molecular consequence: intron variant.
Genome position (GRCh38, 1-based): chr1:247,425,611, C>T. VCF-style: chr1-247425611-C-T. GRCh37 (hg19) VCF-style: chr1-247588913-C-T.
Other names: c.2156+12C>T (NM_004895.5); c.2150+12C>T (NM_001127461.3, NM_001127462.3, NM_183395.3 and 1 more transcripts).
Identifiers: ClinVar variation 668325 (VCV000668325.8), dbSNP rs201291967, ClinGen allele CA1495125.

ClinVar aggregate classification (germline): Likely benign. Review status: criteria provided, multiple submitters, no conflicts (2 of 4 stars). 2 submissions from 2 submitters: Likely benign (2). Last evaluated 2025-07-01.

Conditions:
Cryopyrin associated periodic syndrome (CAPS). Identifiers: Orphanet 208650, MedGen C2316212, MONDO:0016168.

Allele frequency attached by ClinVar (database versions not stated): ExAC 0.00001; gnomAD 0.00003; gnomAD exomes 0.00003 and 0.00004; TOPMed 0.00003.

Submissions (2):

Labcorp Genetics (formerly Invitae), Labcorp
Classification: Likely benign for Cryopyrin associated periodic syndrome. Last evaluated: 2025-07-01. Review status: criteria provided, single submitter. Criteria: Invitae Variant Classification Sherloc (09022015). Collection method: clinical testing. Allele origin: germline.

GeneDx
Classification: Likely benign. Last evaluated: 2018-05-11. Review status: criteria provided, single submitter. Criteria: GeneDx Variant Classification (06012015). Collection method: clinical testing. Allele origin: germline. Affected: yes.
Comment: This variant is considered likely benign or benign based on one or more of the following criteria: it is a conservative change, it occurs at a poorly conserved position in the protein, it is predicted to be benign by multiple in silico algorithms, and/or has population frequency not consistent with disease.